The following is an entry in ClinVar:

NM_002334.4(LRP4):c.4981G>A (p.Ala1661Thr)

Genes: LRP4 (LDL receptor related protein 4; minus strand), LRP4-AS1 (LRP4 antisense RNA 1; plus strand). Cytogenetic location: 11p11.2.
Variant type: single nucleotide variant.
Coding change: c.4981G>A on transcript NM_002334.4 (MANE Select); coding-DNA position 4981, G replaced by A.
Protein change: p.Ala1661Thr; replaces alanine 1661 with threonine.
Molecular consequence: missense variant.
Genome position (GRCh38, 1-based): chr11:46,868,085, C>T on the plus strand (G>A on the coding strand, the complement: LRP4 is on the minus strand). VCF-style: chr11-46868085-C-T. GRCh37 (hg19) VCF-style: chr11-46889636-C-T.
Other names: c.4981G>A (NM_002334.3); short protein forms A1661T.
Identifiers: ClinVar variation 1387902 (VCV001387902.10), dbSNP rs768284053, ClinGen allele CA5969176.

ClinVar aggregate classification (germline): Uncertain significance. Review status: criteria provided, multiple submitters, no conflicts (2 of 4 stars). 3 submissions from 3 submitters: Uncertain significance (3). Last evaluated 2025-08-24.

Conditions:
Inborn genetic diseases. Identifiers: MedGen C0950123, MeSH D030342.
Sclerosteosis 2 (SOST2). Identifiers: Orphanet 3152, MedGen C3280402, MONDO:0013679, OMIM 614305.
Congenital myasthenic syndrome 17. Identifiers: Orphanet 590, MedGen C4225377, MONDO:0014578, OMIM 616304.
Cenani-Lenz syndactyly syndrome. Also called: SYNDACTYLY, TYPE VII; CENANI SYNDACTYLISM. Identifiers: Orphanet 3258, MedGen C1859309, MONDO:0008931, OMIM 212780.

Allele frequency attached by ClinVar (database versions not stated): gnomAD exomes below 0.00001 and 0.00001; TOPMed below 0.00001; ExAC 0.00001.
gnomAD v4.1: 5 of 1,614,078 alleles (0.00031%); highest among the groups gnomAD compares: Non-Finnish European, 0.00025%; no homozygotes.

Submissions (3):

Ambry Genetics
Classification: Uncertain significance for Inborn genetic diseases. Last evaluated: 2025-08-24. Review status: criteria provided, single submitter. Criteria: Ambry Variant Classification Scheme 2023. Collection method: clinical testing. Allele origin: germline.

Fulgent Genetics
Classification: Uncertain significance for Cenani-Lenz syndactyly syndrome; Sclerosteosis 2; Congenital myasthenic syndrome 17. Last evaluated: 2024-05-12. Review status: criteria provided, single submitter. Criteria: ACMG Guidelines, 2015. Collection method: clinical testing. Allele origin: germline.

Labcorp Genetics (formerly Invitae), Labcorp
Classification: Uncertain significance for Cenani-Lenz syndactyly syndrome; Sclerosteosis 2; Congenital myasthenic syndrome 17. Last evaluated: 2021-09-14. Review status: criteria provided, single submitter. Criteria: Invitae Variant Classification Sherloc (09022015). Collection method: clinical testing. Allele origin: germline.
Comment: This sequence change replaces alanine with threonine at codon 1661 of the LRP4 protein (p.Ala1661Thr). The alanine residue is moderately conserved and there is a small physicochemical difference between alanine and threonine. This variant is present in population databases (rs768284053, ExAC 0.001%). In summary, the available evidence is currently insufficient to determine the role of this variant in disease. Therefore, it has been classified as a Variant of Uncertain Significance. Algorithms developed to predict the effect of missense changes on protein structure and function (SIFT, PolyPhen-2, Align-GVGD) all suggest that this variant is likely to be tolerated. This variant has not been reported in the literature in individuals affected with LRP4-related conditions.